The following is an entry in ClinVar:

NM_024642.5(GALNT12):c.661G>T (p.Gly221Cys)

Gene: GALNT12 (polypeptide N-acetylgalactosaminyltransferase 12; plus strand). Cytogenetic location: 9q22.33.
Variant type: single nucleotide variant.
Coding change: c.661G>T on transcript NM_024642.5 (MANE Select); coding-DNA position 661, G replaced by T.
Protein change: p.Gly221Cys; replaces glycine 221 with cysteine.
Molecular consequence: missense variant.
Genome position (GRCh38, 1-based): chr9:98,826,871, G>T. VCF-style: chr9-98826871-G-T. GRCh37 (hg19) VCF-style: chr9-101589153-G-T.
Other names: short protein forms G221C.
Identifiers: ClinVar variation 5022142 (VCV005022142.1).

ClinVar aggregate classification (germline): Uncertain significance (1 of 4 stars; one submission).

Submission:

Ambry Genetics
Classification: Uncertain significance. Last evaluated: 2026-07-28. Review status: criteria provided, single submitter. Criteria: Ambry Variant Classification Scheme 2023. Collection method: clinical testing. Allele origin: germline.
Comment: The p.G221C variant (also known as c.661G>T), located in coding exon 3 of the GALNT12 gene, results from a G to T substitution at nucleotide position 661. The glycine at codon 221 is replaced by cysteine, an amino acid with highly dissimilar properties. This amino acid position is conserved. In addition, this alteration is predicted to be deleterious by in silico analysis. Based on the available evidence, the clinical significance of this variant remains unclear.